The following is an entry in ClinVar:

ClinVar aggregate classification (germline): Likely pathogenic (1 of 4 stars; one submission).

Conditions:
Glycine encephalopathy. Also called: Nonketotic hyperglycinemia; Non-ketotic hyperglycinemia. Identifiers: Orphanet 407, MedGen C0751748, MONDO:0011612, HP:0008288.

Allele frequency attached by ClinVar (database versions not stated): gnomAD exomes below 0.00001; TOPMed 0.00001.

Submission:

Labcorp Genetics (formerly Invitae), Labcorp
Classification: Likely pathogenic for Glycine encephalopathy. Last evaluated: 2023-06-27. Review status: criteria provided, single submitter. Criteria: Invitae Variant Classification Sherloc (09022015). Collection method: clinical testing. Allele origin: germline.
Comment: This sequence change falls in intron 7 of the AMT gene. It does not directly change the encoded amino acid sequence of the AMT protein. It affects a nucleotide within the consensus splice site. In summary, the currently available evidence indicates that the variant is pathogenic, but additional data are needed to prove that conclusively. Therefore, this variant has been classified as Likely Pathogenic. Variants that disrupt the consensus splice site are a relatively common cause of aberrant splicing (PMID: 17576681, 9536098). Algorithms developed to predict the effect of sequence changes on RNA splicing suggest that this variant may disrupt the consensus splice site. This variant has been observed in individual(s) with glycine encephalopathy (PMID: 27362913). In at least one individual the data is consistent with being in trans (on the opposite chromosome) from a pathogenic variant. This variant is not present in population databases (gnomAD no frequency).

Literature cited by the submitters: PubMed 17576681; PubMed 9536098; PubMed 27362913.

NM_000481.4(AMT):c.877+5G>A

Gene: AMT (aminomethyltransferase; minus strand). Cytogenetic location: 3p21.31.
Variant type: single nucleotide variant.
Coding change: c.877+5G>A on transcript NM_000481.4 (MANE Select); 5 bases into the intron after coding-DNA position 877, G replaced by A.
Molecular consequence: intron variant.
Genome position (GRCh38, 1-based): chr3:49,418,966, C>T on the plus strand (G>A on the coding strand, the complement: AMT is on the minus strand). VCF-style: chr3-49418966-C-T. GRCh37 (hg19) VCF-style: chr3-49456399-C-T.
Other names: c.709+5G>A (NM_001164711.2); c.745+5G>A (NM_001164710.2); c.877+5G>A (NM_001164712.2).
Identifiers: ClinVar variation 2734534 (VCV002734534.3), dbSNP rs1039165645, ClinGen allele CA74513380.